The following is an entry in ClinVar:

ClinVar aggregate classification (germline): Likely pathogenic (1 of 4 stars; one submission).

Allele frequency attached by ClinVar (database versions not stated): gnomAD exomes below 0.00001; ExAC 0.00003.
gnomAD v4.1: 1 of 1,587,994 alleles (0.000063%); highest among the groups gnomAD compares: Non-Finnish European, 0.000086%; no homozygotes.

Submission:

GeneDx
Classification: Likely pathogenic. Last evaluated: 2018-06-18. Review status: criteria provided, single submitter. Criteria: GeneDx Variant Classification (06012015). Collection method: clinical testing. Allele origin: germline. Affected: yes.
Comment: The Q195X variant has not been published as a pathogenic variant, nor has it been reported as a benign variant to our knowledge. The Q195X variant is not observed in large population cohorts (Lek et al., 2016). The Q195X nonsense variant is predicted to cause loss of normal protein function either through protein truncation or nonsense-mediated mRNA decay. In summary, we interpret this variant as likely pathogenic.

NM_153006.3(NAGS):c.583C>T (p.Gln195Ter)

Gene: NAGS (N-acetylglutamate synthase; plus strand). Cytogenetic location: 17q21.31.
Variant type: single nucleotide variant.
Coding change: c.583C>T on transcript NM_153006.3 (MANE Select); coding-DNA position 583, C replaced by T.
Protein change: p.Gln195Ter; replaces glutamine 195 with a stop codon.
Molecular consequence: nonsense.
Genome position (GRCh38, 1-based): chr17:44,005,793, C>T. VCF-style: chr17-44005793-C-T. GRCh37 (hg19) VCF-style: chr17-42083161-C-T.
Other names: short protein forms Q195*.
Identifiers: ClinVar variation 620244 (VCV000620244.1), dbSNP rs777810717, ClinGen allele CA8595173.